The following is an entry in ClinVar:

ClinVar aggregate classification (germline): Likely pathogenic. Review status: criteria provided, multiple submitters, no conflicts (2 of 4 stars). 2 submissions from 2 submitters: Likely pathogenic (2). Last evaluated 2025-12-26.

Conditions:
Multiple congenital anomalies-hypotonia-seizures syndrome 1 (MCAHS1). Also called: PIGN-CDG; Congenital disorder of glycosylation due to PIGN deficiency; GLYCOSYLPHOSPHATIDYLINOSITOL BIOSYNTHESIS DEFECT 3. Identifiers: Orphanet 280633, MedGen C3279775, MONDO:0013563, OMIM 614080.

Submissions (2):

Diagnostics Services (NGS), CSIR - Centre For Cellular And Molecular Biology
Classification: Likely pathogenic for Multiple congenital anomalies-hypotonia-seizures syndrome 1. Last evaluated: 2025-12-26. Review status: criteria provided, single submitter. Criteria: ACMG Guidelines, 2015. Collection method: clinical testing. Allele origin: germline. Affected: no. Observed: 1 variant allele, 1 heterozygote.
Comment: The c.2067G>A variant is not present in publicly available population databases like 1000 Genomes, EVS, gnomAD, Indian Exome Database or in our internal database. This variant has neither been published in the literature for PIGN-related conditions nor reported to clinical databases like Human Genome Mutation Database (HGMD), ClinVar, or OMIM, in any affected individuals. In-silico pathogenicity prediction programs like MutationTaster2021, CADD, Franklin, Varsome etc., predicted this variant to be likely deleterious.

First Genomix Gene Laboratory, Genetic Diagnostics Department
Classification: Likely pathogenic for Multiple congenital anomalies-hypotonia-seizures syndrome 1. Last evaluated: 2025-09-03. Review status: criteria provided, single submitter. Criteria: ACMG Guidelines, 2015. Collection method: clinical testing. Allele origin: germline. Inheritance: Autosomal recessive inheritance. Affected: no. Observed: 1 variant allele.

NM_176787.5(PIGN):c.2067G>A (p.Trp689Ter)

Gene: PIGN (phosphatidylinositol glycan anchor biosynthesis class N; minus strand). Cytogenetic location: 18q21.33.
Variant type: single nucleotide variant.
Coding change: c.2067G>A on transcript NM_176787.5 (MANE Select); coding-DNA position 2067, G replaced by A.
Protein change: p.Trp689Ter; replaces tryptophan 689 with a stop codon.
Molecular consequence: nonsense.
Genome position (GRCh38, 1-based): chr18:62,101,085, C>T on the plus strand (G>A on the coding strand, the complement: PIGN is on the minus strand). VCF-style: chr18-62101085-C-T. GRCh37 (hg19) VCF-style: chr18-59768318-C-T.
Other names: c.2067G>A, p.Trp689Ter (NM_001438896.1, NM_001438904.1, NM_001438905.1 and 1 more transcripts); c.1665G>A, p.Trp555Ter (NM_001438910.1); short protein forms W555*, W689*.
Identifiers: ClinVar variation 4849680 (VCV004849680.1).
Genomic context (GRCh38, chr18:62,101,085, plus strand): 5'-ATAACTAAGTTGATGTCAAATTACCTCACCTGGTTTGAGTGGCCTCTTACCTAATGTTGC[C>T]CAGCTAATAATTTGATTCATGAGAGGCAGTCCTTGCTTCCTGAGTAGACTACTCTGAGTG-3'